The following is an entry in ClinVar:

ClinVar aggregate classification (germline): Uncertain significance (1 of 4 stars; one submission).

Submission:

GeneDx
Classification: Uncertain significance. Last evaluated: 2024-11-26. Review status: criteria provided, single submitter. Criteria: GeneDx Variant Classification Process June 2021. Collection method: clinical testing. Allele origin: germline. Affected: yes.
Comment: Not observed at significant frequency in large population cohorts (gnomAD); In silico analysis supports that this missense variant has a deleterious effect on protein structure/function; Has not been previously published as pathogenic or benign to our knowledge

NM_012082.4(ZFPM2):c.2948C>G (p.Pro983Arg)

Genes: ZFPM2 (zinc finger protein, FOG family member 2; plus strand), ZFPM2-AS1 (ZFPM2 antisense RNA 1; minus strand), LOC126860469 (BRD4-independent group 4 enhancer GRCh37_chr8:106814445-106815644; plus strand). Cytogenetic location: 8q23.1.
Variant type: single nucleotide variant.
Coding change: c.2948C>G on transcript NM_012082.4 (MANE Select); coding-DNA position 2948, C replaced by G.
Protein change: p.Pro983Arg; replaces proline 983 with arginine.
Molecular consequence: missense variant.
Genome position (GRCh38, 1-based): chr8:105,803,030, C>G. VCF-style: chr8-105803030-C-G. GRCh37 (hg19) VCF-style: chr8-106815258-C-G.
Other names: c.2789C>G, p.Pro930Arg (NM_001362836.2); c.2552C>G, p.Pro851Arg (NM_001362837.2); short protein forms P851R, P930R, P983R.
Identifiers: ClinVar variation 3900872 (VCV003900872.1).
Genomic context (GRCh38, chr8:105,803,030, plus strand): 5'-TTCCACAATGCCTTTACCCTGGAGCAATAAAGAAAGCAAAAGGAGCCGACCAGCTTTCTC[C>G]ATATTATGGAATCAAGCCAAGTGATTATATTTCTGGTTCTCTTGTCATCCATAACACTGA-3'
Protein context (NP_036214.2, residues 973-993): KKAKGADQLS[Pro983Arg]YYGIKPSDYI